The following is an entry in ClinVar:

ClinVar aggregate classification (germline): Uncertain significance (1 of 4 stars; one submission).

Conditions:
Myofibrillar myopathy 4. Also called: Zaspopathy (type). Identifiers: Orphanet 98912, MedGen C4721886, MONDO:0012277, OMIM 609452.

Submission:

Labcorp Genetics (formerly Invitae), Labcorp
Classification: Uncertain significance for Myofibrillar myopathy 4. Last evaluated: 2023-05-23. Review status: criteria provided, single submitter. Criteria: Invitae Variant Classification Sherloc (09022015). Collection method: clinical testing. Allele origin: germline.
Comment: This variant has not been reported in the literature in individuals affected with LDB3-related conditions. This variant is not present in population databases (gnomAD no frequency). This sequence change replaces proline, which is neutral and non-polar, with histidine, which is basic and polar, at codon 120 of the LDB3 protein (p.Pro120His). The LDB3 gene has multiple clinically relevant transcripts. This variant occurs in alternate transcript NM_007078.3, and corresponds to NM_001080116.1:c.321+1316C>A in the primary transcript. ClinVar contains an entry for this variant (Variation ID: 1581118). In summary, the available evidence is currently insufficient to determine the role of this variant in disease. Therefore, it has been classified as a Variant of Uncertain Significance. Experimental studies and prediction algorithms are not available or were not evaluated, and the functional significance of this variant is currently unknown.

NM_007078.3(LDB3):c.359C>A (p.Pro120His)

Gene: LDB3 (LIM domain binding 3; plus strand). Cytogenetic location: 10q23.2.
Variant type: single nucleotide variant.
Coding change: c.359C>A on transcript NM_007078.3 (MANE Select); coding-DNA position 359, C replaced by A.
Protein change: p.Pro120His; replaces proline 120 with histidine.
Molecular consequence: missense variant. On other transcripts: intron variant (5).
Genome position (GRCh38, 1-based): chr10:86,681,473, C>A. VCF-style: chr10-86681473-C-A. GRCh37 (hg19) VCF-style: chr10-88441230-C-A.
Other names: c.359C>A, p.Pro120His (NM_001171611.2, NM_001368063.1, NM_001368064.1 and 3 more transcripts); c.321+1316C>A (NM_001368068.1, NM_001368066.1, NM_001080114.2 and 2 more transcripts); short protein forms P120H.
Identifiers: ClinVar variation 1581118 (VCV001581118.8), dbSNP rs1365965245, ClinGen allele CA377453178.